The following is an entry in ClinVar:

ClinVar aggregate classification (germline): Uncertain significance (1 of 4 stars; one submission).

Submission:

Women's Health and Genetics/Laboratory Corporation of America, LabCorp
Classification: Uncertain significance. Last evaluated: 2024-12-24. Review status: criteria provided, single submitter. Criteria: LabCorp Variant Classification Summary - May 2015. Collection method: clinical testing. Allele origin: germline.
Comment: Variant summary: NLGN3 c.1880T>C (p.Val627Ala) results in a non-conservative amino acid change in the encoded protein sequence. Three of five in-silico tools predict a benign effect of the variant on protein function. The variant allele was found at a frequency of 8.3e-07 in 1204936 control chromosomes in the gnomAD database (v4.1 dataset). The available data on variant occurrences in the general population are insufficient to allow any conclusion about variant significance. To our knowledge, no occurrence of c.1880T>C in individuals affected with Autism Susceptibility, X-Linked and no experimental evidence demonstrating its impact on protein function have been reported. No submitters have cited clinical-significance assessments for this variant to ClinVar. Based on the evidence outlined above, the variant was classified as uncertain significance.

NM_181303.2(NLGN3):c.1940T>C (p.Val647Ala)

Gene: NLGN3 (neuroligin 3; plus strand). Cytogenetic location: Xq13.1.
Variant type: single nucleotide variant.
Coding change: c.1940T>C on transcript NM_181303.2 (MANE Select); coding-DNA position 1940, T replaced by C.
Protein change: p.Val647Ala; replaces valine 647 with alanine.
Molecular consequence: missense variant.
Genome position (GRCh38, 1-based): chrX:71,169,490, T>C. VCF-style: chrX-71169490-T-C. GRCh37 (hg19) VCF-style: chrX-70389340-T-C.
Other names: c.1820T>C, p.Val607Ala (NM_001166660.2); c.1529T>C, p.Val510Ala (NM_001321276.2); c.1880T>C, p.Val627Ala (NM_018977.4); short protein forms V510A, V607A, V627A, V647A.
Identifiers: ClinVar variation 3768436 (VCV003768436.1).